The following is an entry in ClinVar:

ClinVar aggregate classification (germline): Uncertain significance (1 of 4 stars; one submission).

Allele frequency attached by ClinVar (database versions not stated): gnomAD 0.00001; TOPMed 0.00001.
gnomAD v4.1: 4 of 1,569,930 alleles (0.00025%); highest among the groups gnomAD compares: African/African-American, 0.004%; no homozygotes.

Submission:

Labcorp Genetics (formerly Invitae), Labcorp
Classification: Uncertain significance. Last evaluated: 2021-08-30. Review status: criteria provided, single submitter. Criteria: Invitae Variant Classification Sherloc (09022015). Collection method: clinical testing. Allele origin: germline.
Comment: This sequence change replaces threonine with arginine at codon 784 of the TONSL protein (p.Thr784Arg). The threonine residue is weakly conserved and there is a moderate physicochemical difference between threonine and arginine. This variant is not present in population databases (ExAC no frequency). This variant has not been reported in the literature in individuals affected with TONSL-related conditions. Algorithms developed to predict the effect of missense changes on protein structure and function (SIFT, PolyPhen-2, Align-GVGD) all suggest that this variant is likely to be tolerated. In summary, the available evidence is currently insufficient to determine the role of this variant in disease. Therefore, it has been classified as a Variant of Uncertain Significance.

NM_013432.5(TONSL):c.2351C>G (p.Thr784Arg)

Genes: TONSL (tonsoku like, DNA repair protein; minus strand), TONSL-AS1 (TONSL antisense RNA 1; plus strand). Cytogenetic location: 8q24.3.
Variant type: single nucleotide variant.
Coding change: c.2351C>G on transcript NM_013432.5 (MANE Select); coding-DNA position 2351, C replaced by G.
Protein change: p.Thr784Arg; replaces threonine 784 with arginine.
Molecular consequence: missense variant.
Genome position (GRCh38, 1-based): chr8:144,436,082, G>C on the plus strand (C>G on the coding strand, the complement: TONSL is on the minus strand). VCF-style: chr8-144436082-G-C. GRCh37 (hg19) VCF-style: chr8-145661465-G-C.
Other names: short protein forms T784R.
Identifiers: ClinVar variation 1414649 (VCV001414649.5), dbSNP rs1396530963, ClinGen allele CA372655774.
Genomic context (GRCh38, chr8:144,436,082, plus strand): 5'-CTCTGAGCACTGCCCACACCCCGGATGGCTGCCTGGTAGGCTGCCCGGCTGGTGCTGGCT[G>C]TGGCTGCTTCCCTGTTGCTGGCGGGGCCAGGCGTCCAGGCTGCCACCCGTTGTGCTGTGG-3'
Protein context (NP_038460.4, residues 774-794): PGPASNREAA[Thr784Arg]ASTSRAAYQA